The following is an entry in ClinVar:

NM_001005242.3(PKP2):c.32G>C (p.Gly11Ala)

Gene: PKP2 (plakophilin 2; minus strand). Cytogenetic location: 12p11.21.
Variant type: single nucleotide variant.
Coding change: c.32G>C on transcript NM_001005242.3 (MANE Select); coding-DNA position 32, G replaced by C.
Protein change: p.Gly11Ala; replaces glycine 11 with alanine.
Molecular consequence: missense variant.
Genome position (GRCh38, 1-based): chr12:32,896,700, C>G on the plus strand (G>C on the coding strand, the complement: PKP2 is on the minus strand). VCF-style: chr12-32896700-C-G. GRCh37 (hg19) VCF-style: chr12-33049634-C-G.
Other names: c.32G>C, p.Gly11Ala (NM_004572.4); short protein forms G11A.
Identifiers: ClinVar variation 1339185 (VCV001339185.2), dbSNP rs1359957288, ClinGen allele CA384371722.
Genomic context (GRCh38, chr12:32,896,700, plus strand): 5'-GCCAGGCTGGAGCTGTCCAGTTGTCCCAGGATCTGCTGGCCCAGGACGGTCCGGATGTAG[C>G]CGTACTCAGCTGGGGCGCCGGGGGCTGCCATGGGGCCGGTGGGGGCGACCGAGCTGCTCG-3'
Protein context (NP_001005242.2, residues 1-21): MAAPGAPAEY[Gly11Ala]YIRTVLGQQI

ClinVar aggregate classification (germline): Uncertain significance (1 of 4 stars; one submission).

Conditions:
Arrhythmogenic right ventricular dysplasia 9 (ARVD9). Also called: ARRHYTHMOGENIC RIGHT VENTRICULAR DYSPLASIA, FAMILIAL, 9; Arrhythmogenic Right Ventricular Dysplasia/Cardiomyopathy 9. Identifiers: MedGen C1836906, MONDO:0012180, OMIM 609040.

Submission:

Neuberg Centre For Genomic Medicine, NCGM
Classification: Uncertain significance for Arrhythmogenic right ventricular dysplasia 9. Review status: criteria provided, single submitter. Criteria: ACMG Guidelines, 2015. Collection method: clinical testing. Allele origin: germline. Affected: yes.
Comment: The missense variant p.G11A in PKP2 (NM_001005242.3) has not been reported previously as a pathogenic variant nor as a benign variant, to our knowledge. The p.G11A variant is novel (not in any individuals) in gnomAD Exomes and is novel (not in any individuals) in 1000 Genomes. In silico predictions are contracdictory and the residue is conserved across species. For these reasons, this variant has been classified as Uncertain Significance.